The following is an entry in ClinVar:

ClinVar aggregate classification (germline): Uncertain significance (1 of 4 stars; one submission).

Conditions:
Telangiectasia, hereditary hemorrhagic, type 5 (HHT5). Identifiers: Orphanet 774, MedGen C3809710, MONDO:0014217, OMIM 615506.

Submission:

Labcorp Genetics (formerly Invitae), Labcorp
Classification: Uncertain significance for Telangiectasia, hereditary hemorrhagic, type 5. Last evaluated: 2024-04-15. Review status: criteria provided, single submitter. Criteria: Invitae Variant Classification Sherloc (09022015). Collection method: clinical testing. Allele origin: germline.
Comment: This sequence change replaces cysteine, which is neutral and slightly polar, with serine, which is neutral and polar, at codon 426 of the GDF2 protein (p.Cys426Ser). This variant is not present in population databases (gnomAD no frequency). This variant has not been reported in the literature in individuals affected with GDF2-related conditions. An algorithm developed to predict the effect of missense changes on protein structure and function (PolyPhen-2) suggests that this variant is likely to be disruptive. In summary, the available evidence is currently insufficient to determine the role of this variant in disease. Therefore, it has been classified as a Variant of Uncertain Significance.

NM_016204.4(GDF2):c.1277G>C (p.Cys426Ser)

Gene: GDF2 (growth differentiation factor 2; plus strand). Cytogenetic location: 10q11.22.
Variant type: single nucleotide variant.
Coding change: c.1277G>C on transcript NM_016204.4 (MANE Select); coding-DNA position 1277, G replaced by C.
Protein change: p.Cys426Ser; replaces cysteine 426 with serine.
Molecular consequence: missense variant.
Genome position (GRCh38, 1-based): chr10:47,325,771, G>C. VCF-style: chr10-47325771-G-C. GRCh37 (hg19) VCF-style: chr10-48413591-C-G.
Other names: short protein forms C426S.
Identifiers: ClinVar variation 3719472 (VCV003719472.2).